The following is an entry in ClinVar:

ClinVar aggregate classification (germline): Uncertain significance (1 of 4 stars; one submission).

Allele frequency attached by ClinVar (database versions not stated): gnomAD 0.00001; gnomAD exomes 0.00001 and 0.00003; ExAC 0.00003; TOPMed 0.00003.
gnomAD v4.1: 10 of 1,612,940 alleles (0.00062%); highest among the groups gnomAD compares: Admixed American, 0.015%; no homozygotes.

Submission:

Labcorp Genetics (formerly Invitae), Labcorp
Classification: Uncertain significance. Last evaluated: 2022-08-05. Review status: criteria provided, single submitter. Criteria: Invitae Variant Classification Sherloc (09022015). Collection method: clinical testing. Allele origin: germline.
Comment: This sequence change replaces glutamine, which is neutral and polar, with arginine, which is basic and polar, at codon 385 of the NEU1 protein (p.Gln385Arg). This variant is present in population databases (rs745364721, gnomAD 0.01%). This variant has not been reported in the literature in individuals affected with NEU1-related conditions. ClinVar contains an entry for this variant (Variation ID: 1372421). Algorithms developed to predict the effect of missense changes on protein structure and function (SIFT, PolyPhen-2, Align-GVGD) all suggest that this variant is likely to be tolerated. In summary, the available evidence is currently insufficient to determine the role of this variant in disease. Therefore, it has been classified as a Variant of Uncertain Significance.

NM_000434.4(NEU1):c.1154A>G (p.Gln385Arg)

Gene: NEU1 (neuraminidase 1; minus strand). Cytogenetic location: 6p21.33.
Variant type: single nucleotide variant.
Coding change: c.1154A>G on transcript NM_000434.4 (MANE Select); coding-DNA position 1154, A replaced by G.
Protein change: p.Gln385Arg; replaces glutamine 385 with arginine.
Molecular consequence: missense variant.
Genome position (GRCh38, 1-based): chr6:31,859,813, T>C on the plus strand (A>G on the coding strand, the complement: NEU1 is on the minus strand). VCF-style: chr6-31859813-T-C. GRCh37 (hg19) VCF-style: chr6-31827590-T-C.
Other names: short protein forms Q385R.
Identifiers: ClinVar variation 1372421 (VCV001372421.3), dbSNP rs745364721, ClinGen allele CA3724871.